The following is an entry in ClinVar:

ClinVar aggregate classification (germline): Uncertain significance. Review status: criteria provided, multiple submitters, no conflicts (2 of 4 stars). 2 submissions from 2 submitters: Uncertain significance (2). Last evaluated 2023-11-28.

Allele frequency attached by ClinVar (database versions not stated): gnomAD exomes 0.00002; ExAC 0.00003.
gnomAD v4.1: 32 of 1,614,008 alleles (0.002%); highest among the groups gnomAD compares: Non-Finnish European, 0.0025%; no homozygotes.

Submissions (2):

Blueprint Genetics
Classification: Uncertain significance. Last evaluated: 2023-11-28. Review status: criteria provided, single submitter. Criteria: ACMG Guidelines, 2015. Collection method: clinical testing. Allele origin: germline.

Labcorp Genetics (formerly Invitae), Labcorp
Classification: Uncertain significance. Last evaluated: 2021-08-14. Review status: criteria provided, single submitter. Criteria: Invitae Variant Classification Sherloc (09022015). Collection method: clinical testing. Allele origin: germline.
Comment: This sequence change replaces leucine with phenylalanine at codon 1576 of the ABCA4 protein (p.Leu1576Phe). The leucine residue is highly conserved and there is a small physicochemical difference between leucine and phenylalanine. This variant is present in population databases (rs779572379, ExAC 0.006%). This variant has not been reported in the literature in individuals affected with ABCA4-related conditions. Advanced modeling of protein sequence and biophysical properties (such as structural, functional, and spatial information, amino acid conservation, physicochemical variation, residue mobility, and thermodynamic stability) performed at Invitae indicates that this missense variant is not expected to disrupt ABCA4 protein function. In summary, the available evidence is currently insufficient to determine the role of this variant in disease. Therefore, it has been classified as a Variant of Uncertain Significance.

NM_000350.3(ABCA4):c.4726C>T (p.Leu1576Phe)

Genes: ABCA4 (ATP binding cassette subfamily A member 4; minus strand), LOC126805793 (CDK7 strongly-dependent group 2 enhancer GRCh37_chr1:94486302-94487501; plus strand). Cytogenetic location: 1p22.1.
Variant type: single nucleotide variant.
Coding change: c.4726C>T on transcript NM_000350.3 (MANE Select); coding-DNA position 4726, C replaced by T.
Protein change: p.Leu1576Phe; replaces leucine 1576 with phenylalanine.
Molecular consequence: missense variant.
Genome position (GRCh38, 1-based): chr1:94,021,893, G>A on the plus strand (C>T on the coding strand, the complement: ABCA4 is on the minus strand). VCF-style: chr1-94021893-G-A. GRCh37 (hg19) VCF-style: chr1-94487449-G-A.
Other names: c.4504C>T, p.Leu1502Phe (NM_001425324.1); short protein forms L1576F, L1502F.
Identifiers: ClinVar variation 1390241 (VCV001390241.6), dbSNP rs779572379, ClinGen allele CA957498.